The following is an entry in ClinVar:

ClinVar aggregate classification (germline): Pathogenic (1 of 4 stars; one submission).

Submission:

Labcorp Genetics (formerly Invitae), Labcorp
Classification: Pathogenic. Last evaluated: 2020-05-08. Review status: criteria provided, single submitter. Criteria: Invitae Variant Classification Sherloc (09022015). Collection method: clinical testing. Allele origin: germline.
Comment: This sequence change creates a premature translational stop signal (p.Gly953Aspfs*43) in the COL4A5 gene. It is expected to result in an absent or disrupted protein product. This variant is not present in population databases (ExAC no frequency). This variant has not been reported in the literature in individuals with COL4A5-related conditions. Loss-of-function variants in COL4A5 are known to be pathogenic (PMID: 9195222, 10752524, 14514738, 24854265, 26809805). For these reasons, this variant has been classified as Pathogenic.

Literature cited by the submitters: PubMed 9195222; PubMed 10752524; PubMed 14514738; PubMed 24854265; PubMed 26809805.

NM_033380.3(COL4A5):c.2856del (p.Gly953fs)

Gene: COL4A5 (collagen type IV alpha 5 chain; plus strand). Cytogenetic location: Xq22.3.
Variant type: Deletion.
Coding change: c.2856del on transcript NM_033380.3 (MANE Select); coding-DNA position 2856, one base deleted (T; older notation c.2856delT).
Protein change: p.Gly953fs; shifts the reading frame from glycine 953.
Molecular consequence: frameshift variant.
Genome position (GRCh38, 1-based): chrX:108,622,764, T deleted. VCF-style (leftmost placement, unchanged base first): chrX-108622763-CT-C. GRCh37 (hg19) VCF-style: chrX-107865993-CT-C.
Other names: c.2856del, p.Gly953fs (NM_000495.5); short protein forms G953fs.
Identifiers: ClinVar variation 1075162 (VCV001075162.7), dbSNP rs2147865795, ClinGen allele CA2499226321.
Genomic context (GRCh38, chrX:108,622,763, plus strand): 5'-GACTTCCTGGCCCTACAGGAGAAAAAGGTAGTAAAGGAGAGCCTGGCCTTCCAGGCCCTC[CT>C]GGACCAATGGATCCAAATCTTCTGGGCTCAAAAGGAGAGAAGGGGGAACCTGGCTTACCA-3'